The following is an entry in ClinVar:

ClinVar aggregate classification (germline): Likely benign. Review status: criteria provided, multiple submitters, no conflicts (2 of 4 stars). 2 submissions from 2 submitters: Likely benign (2). Last evaluated 2018-01-13.

Conditions:
Autosomal recessive nonsyndromic hearing loss 67. Identifiers: Orphanet 90636, MedGen C1853223, MONDO:0012460, OMIM 610265.

Allele frequency attached by ClinVar (database versions not stated): 1000 Genomes Project 0.07728; gnomAD 0.08837 and 0.09046.

Submissions (2):

Illumina Laboratory Services, Illumina
Classification: Likely benign for Autosomal recessive nonsyndromic hearing loss 67. Last evaluated: 2018-01-13. Review status: criteria provided, single submitter. Criteria: ICSL Variant Classification Criteria 13 December 2019. Collection method: clinical testing. Allele origin: germline.
Comment: This variant was observed in the ICSL laboratory as part of a predisposition screen in an ostensibly healthy population. It had not been previously curated by ICSL or reported in the Human Gene Mutation Database (HGMD: prior to June 1st, 2018), and was therefore a candidate for classification through an automated scoring system. Utilizing variant allele frequency, disease prevalence and penetrance estimates, and inheritance mode, an automated score was calculated to assess if this variant is too frequent to cause the disease. Based on the score and internal cut-off values, a variant classified as likely benign is not then subjected to further curation. The score for this variant resulted in a classification of likely benign for this disease.

Breakthrough Genomics
Classification: Likely benign. Review status: criteria provided, single submitter. Criteria: ACMG Guidelines, 2015. Collection method: not provided. Allele origin: germline. Inheritance: Autosomal recessive inheritance. Affected: yes.

NM_182548.4(LHFPL5):c.*481T>C

Gene: LHFPL5 (LHFPL tetraspan subfamily member 5; plus strand). Cytogenetic location: 6p21.31.
Variant type: single nucleotide variant.
Coding change: c.*481T>C on transcript NM_182548.4 (MANE Select); 481 bases downstream of the stop codon, T replaced by C.
Molecular consequence: 3 prime UTR variant.
Genome position (GRCh38, 1-based): chr6:35,823,446, T>C. VCF-style: chr6-35823446-T-C. GRCh37 (hg19) VCF-style: chr6-35791223-T-C.
Identifiers: ClinVar variation 356520 (VCV000356520.6), dbSNP rs372152238, ClinGen allele CA10623742.